The following is an entry in ClinVar:

ClinVar aggregate classification (germline): Likely pathogenic (1 of 4 stars; one submission).

Conditions:
Autosomal recessive limb-girdle muscular dystrophy type 2A (LGMDR1). Also called: Calpainopathy; LEYDEN-MOEBIUS MUSCULAR DYSTROPHY; MUSCULAR DYSTROPHY, PELVOFEMORAL; Muscular dystrophy, limb-girdle, type 2A, Amish; Limb-girdle muscular dystrophy, type 2A. Identifiers: Orphanet 267, MedGen C1869123, MONDO:0009675, OMIM 253600. Disease mechanism: loss of function.

Submission:

Natera, Inc.
Classification: Likely pathogenic for Limb-girdle muscular dystrophy type 2A. Last evaluated: 2024-12-18. Review status: criteria provided, single submitter. Criteria: Natera Variant Classification Schema (03/2026). Collection method: clinical testing. Allele origin: germline.
Comment: The c.1654del variant in CAPN3 is a frameshift variant predicted to shift the reading frame beginning at codon 552 and leads to a stop codon 43 codons downstream. This variant is expected to result in nonsense mediated decay, truncation, or a dysfunctional protein product. This variant is rare in the general population with a frequency below the threshold expected for the associated phenotype(s). Given the available evidence, this variant is classified as Likely Pathogenic.

NM_000070.3(CAPN3):c.1654del (p.Ser552fs)

Gene: CAPN3 (calpain 3; plus strand). Cytogenetic location: 15q15.1.
Variant type: Deletion.
Coding change: c.1654del on transcript NM_000070.3 (MANE Select); coding-DNA position 1654, one base deleted (A; older notation c.1654delA).
Protein change: p.Ser552fs; shifts the reading frame from serine 552.
Molecular consequence: frameshift variant.
Genome position (GRCh38, 1-based): chr15:42,402,911, A deleted. VCF-style (leftmost placement, unchanged base first): chr15-42402910-CA-C. GRCh37 (hg19) VCF-style: chr15-42695108-CA-C.
Other names: c.1654del, p.Ser552fs (NM_024344.2); c.1510del, p.Ser504fs (NM_173087.2); c.118del, p.Ser40fs (NM_173088.2); short protein forms S40fs, S504fs, S552fs.
Identifiers: ClinVar variation 4816157 (VCV004816157.1).
Genomic context (GRCh38, chr15:42,402,910, plus strand): 5'-GGCCAGGAGCAAAACCTACATCAACATGCGGGAGGTGTCCCAGCGCTTCCGCCTGCCTCC[CA>C]GCGAGTACGTCATCGTGCCCTCCACCTACGAGCCCCACCAGGAGGGGGAATTCATCCTCC-3'